The following is an entry in ClinVar:

ClinVar aggregate classification (germline): Uncertain significance (1 of 4 stars; one submission).

Conditions:
SEMA3B-related disorder. Also called: SEMA3B-related condition.

gnomAD v4.1: 8 of 1,591,036 alleles (0.0005%); highest among the groups gnomAD compares: Non-Finnish European, 0.00051%; no homozygotes.

Submission:

PreventionGenetics, part of Exact Sciences
Classification: Uncertain significance for SEMA3B-related condition. Last evaluated: 2025-03-04. Review status: criteria provided, single submitter. Criteria: ACMG Guidelines, 2015. Collection method: clinical testing. Allele origin: germline.
Comment: The SEMA3B c.2177T>A variant is predicted to result in the amino acid substitution p.Leu726Gln. To our knowledge, this variant has not been reported in the literature or in a large population database, indicating this variant is rare. At this time, the clinical significance of this variant is uncertain due to the absence of conclusive functional and genetic evidence.

NM_001290060.2(SEMA3B):c.2162T>A (p.Leu721Gln)

Gene: SEMA3B (semaphorin 3B; plus strand). Cytogenetic location: 3p21.31.
Variant type: single nucleotide variant.
Coding change: c.2162T>A on transcript NM_001290060.2 (MANE Select); coding-DNA position 2162, T replaced by A.
Protein change: p.Leu721Gln; replaces leucine 721 with glutamine.
Molecular consequence: missense variant. On other transcripts: non-coding transcript variant (1).
Genome position (GRCh38, 1-based): chr3:50,276,618, T>A. VCF-style: chr3-50276618-T-A. GRCh37 (hg19) VCF-style: chr3-50314049-T-A.
Other names: c.2159T>A, p.Leu720Gln (NM_001005914.3); c.2177T>A, p.Leu726Gln (NM_001290061.1); c.1133T>A, p.Leu378Gln (NM_001290062.2, NM_001290063.2); c.2162T>A, p.Leu721Gln (NM_004636.4); short protein forms L378Q, L720Q, L721Q, L726Q.
Identifiers: ClinVar variation 3357304 (VCV003357304.2).
Genomic context (GRCh38, chr3:50,276,618, plus strand): 5'-GTGGCAGCGCGAACTCCCTGCGCATGTGCCGCCCGCAGCCTGCGCTGCAGTCACTGCCCC[T>A]GGAGTCGCGGAGAAAGGGCCGTAACCGGAGGACCCACGCCCCTGAGCCTCGCGCTGAGCG-3'
Protein context (NP_001276989.1, residues 711-731): RPQPALQSLP[Leu721Gln]ESRRKGRNRR